The following is an entry in ClinVar:

ClinVar aggregate classification (germline): Uncertain significance (1 of 4 stars; one submission).

Conditions:
Jalili syndrome. Also called: CONE-ROD DYSTROPHY AND AMELOGENESIS IMPERFECTA. Identifiers: Orphanet 1873, MedGen C3495589, MONDO:0009007, OMIM 217080.

Submission:

3billion
Classification: Uncertain significance for Jalili syndrome. Last evaluated: 2022-01-03. Review status: criteria provided, single submitter. Criteria: ACMG Guidelines, 2015. Collection method: clinical testing. Allele origin: germline. Affected: yes. Observed: 1 homozygote.
Comment: Inframe insertion located in a nonrepeat region: predicted to change the length of the protein and disrupt normal protein function (PM4_M). It is not observed in the gnomAD v2.1.1 dataset (PM2_M). Therefore, this variant is classified as uncertain significance according to the recommendation of ACMG/AMP guideline.

NM_020184.4(CNNM4):c.636_637insATGCTGGACCCCATG (p.Met212_Glu213insMetLeuAspProMet)

Gene: CNNM4 (cyclin and CBS domain divalent metal cation transport mediator 4; plus strand). Cytogenetic location: 2q11.2.
Variant type: Insertion.
Coding change: c.636_637insATGCTGGACCCCATG on transcript NM_020184.4 (MANE Select); coding-DNA positions 636 to 637, ATGCTGGACCCCATG inserted.
Protein change: p.Met212_Glu213insMetLeuAspProMet.
Molecular consequence: inframe insertion.
Genome position: GRCh38 VCF-style: chr2-96761623-C-CCTGGACCCCATGATG. GRCh37 (hg19) VCF-style: chr2-97427360-C-CCTGGACCCCATGATG.
Identifiers: ClinVar variation 1333240 (VCV001333240.1), dbSNP rs2153341664, ClinGen allele CA2573052040.